The following is an entry in ClinVar:

NM_000548.5(TSC2):c.5112T>A (p.Ser1704=)

Gene: TSC2 (TSC complex subunit 2; plus strand). Cytogenetic location: 16p13.3.
Variant type: single nucleotide variant.
Coding change: c.5112T>A on transcript NM_000548.5 (MANE Select); coding-DNA position 5112, T replaced by A.
Protein change: p.Ser1704=; no amino-acid change (serine 1704 retained).
Molecular consequence: synonymous variant.
Genome position (GRCh38, 1-based): chr16:2,088,091, T>A. VCF-style: chr16-2088091-T-A. GRCh37 (hg19) VCF-style: chr16-2138092-T-A.
Other names: c.5112T>A (NM_000548.4); c.4911T>A, p.Ser1637= (NM_001077183.3); c.5043T>A, p.Ser1681= (NM_001114382.3); c.4803T>A, p.Ser1601= (NM_001318827.2); c.4767T>A, p.Ser1589= (NM_001318829.2); c.4380T>A, p.Ser1460= (NM_001318831.2); c.4944T>A, p.Ser1648= (NM_001318832.2); c.4914T>A, p.Ser1638= (NM_001363528.2); and 2 more.
Identifiers: ClinVar variation 707668 (VCV000707668.21), dbSNP rs769158004, ClinGen allele CA053984.

ClinVar aggregate classification (germline): Benign/Likely benign. Review status: criteria provided, multiple submitters, no conflicts (2 of 4 stars). 7 submissions from 7 submitters: Benign (2); Likely benign (5). Last evaluated 2025-11-15.

Conditions:
Hereditary cancer-predisposing syndrome. Also called: Neoplastic Syndromes, Hereditary; Tumor predisposition; Hereditary Cancer Syndrome; Hereditary neoplastic syndrome. Identifiers: Orphanet 140162, MedGen C0027672, MeSH D009386, MONDO:0015356.
TSC2-related disorder. Also called: TSC2-Related Disorders; TSC2-related condition.
Tuberous sclerosis syndrome (TSC). Also called: Tuberous Sclerosis Complex; Tuberous sclerosis. Identifiers: Orphanet 805, MedGen C0041341, MONDO:0001734.
Tuberous sclerosis 2 (TSC2). Identifiers: Orphanet 805, MedGen C1860707, MONDO:0013199, OMIM 613254.

Allele frequency attached by ClinVar (database versions not stated): gnomAD exomes below 0.00001; ExAC 0.00001; TOPMed 0.00001; gnomAD 0.00002.

Submissions (7):

PreventionGenetics, part of Exact Sciences
Classification: Likely benign for TSC2-related condition. Last evaluated: 2025-11-15. Review status: criteria provided, single submitter. Criteria: ACMG Guidelines, 2015. Collection method: clinical testing. Allele origin: germline.
Comment: This variant is classified as likely benign based on ACMG/AMP sequence variant interpretation guidelines (Richards et al. 2015 PMID: 25741868, with internal and published modifications).

Labcorp Genetics (formerly Invitae), Labcorp
Classification: Likely benign for Tuberous sclerosis 2. Last evaluated: 2025-10-03. Review status: criteria provided, single submitter. Criteria: Invitae Variant Classification Sherloc (09022015). Collection method: clinical testing. Allele origin: germline.

Myriad Genetics, Inc.
Classification: Benign for Tuberous sclerosis 2. Last evaluated: 2025-06-06. Review status: criteria provided, single submitter. Criteria: Myriad Autosomal Dominant, Autosomal Recessive and X-Linked Classification Criteria (2023). Collection method: clinical testing. Allele origin: unknown.
Comment: This variant is considered benign. This variant is a silent/synonymous amino acid change and it is not expected to impact splicing.

All of Us Research Program, National Institutes of Health
Classification: Likely benign for Tuberous sclerosis syndrome. Last evaluated: 2023-03-23. Review status: criteria provided, single submitter. Criteria: ACMG Guidelines, 2015. Collection method: clinical testing. Allele origin: germline. Inheritance: Autosomal dominant inheritance. Observed: 1 variant allele, 1 heterozygote.
Comment: This study involves interpretation of variants in research participants for the purpose of population health screening. Participant phenotype was not available at the time of variant classification. Additional details can be found in publication PMID: 35346344, PMCID: PMC8962531

Color Diagnostics, LLC DBA Color Health
Classification: Likely benign for Tuberous sclerosis syndrome. Last evaluated: 2022-11-06. Review status: criteria provided, single submitter. Criteria: ACMG Guidelines, 2015. Collection method: clinical testing. Allele origin: germline.

Genome-Nilou Lab
Classification: Benign for Tuberous sclerosis 2. Last evaluated: 2021-11-07. Review status: criteria provided, single submitter. Criteria: ACMG Guidelines, 2015. Collection method: clinical testing. Allele origin: germline. Affected: no.

Ambry Genetics
Classification: Likely benign for Hereditary cancer-predisposing syndrome. Last evaluated: 2018-09-20. Review status: criteria provided, single submitter. Criteria: Ambry Variant Classification Scheme 2023. Collection method: clinical testing. Allele origin: germline.